The following is an entry in ClinVar:

NM_138459.5(NUS1):c.353C>A (p.Ala118Glu)

Gene: NUS1 (NUS1 dehydrodolichyl diphosphate synthase subunit; plus strand). Cytogenetic location: 6q22.1.
Variant type: single nucleotide variant.
Coding change: c.353C>A on transcript NM_138459.5 (MANE Select); coding-DNA position 353, C replaced by A.
Protein change: p.Ala118Glu; replaces alanine 118 with glutamic acid.
Molecular consequence: missense variant.
Genome position (GRCh38, 1-based): chr6:117,676,023, C>A. VCF-style: chr6-117676023-C-A. GRCh37 (hg19) VCF-style: chr6-117997186-C-A.
Other names: short protein forms A118E.
Identifiers: ClinVar variation 1383658 (VCV001383658.6), dbSNP rs2114674826, ClinGen allele CA365536434.
Genomic context (GRCh38, chr6:117,676,023, plus strand): 5'-CTGTGCATATGGGCCTGGTGATCACCGAGGTGGAGCAGGAACCCAGCTTCTCGGACATCG[C>A]GAGCCTCGTGGTGTGGTGTATGGCCGTGGGCATCTCCTACATTAGCGTCTACGACCACCA-3'
Protein context (NP_612468.1, residues 108-128): VEQEPSFSDI[Ala118Glu]SLVVWCMAVG

ClinVar aggregate classification (germline): Uncertain significance (1 of 4 stars; one submission).

Conditions:
Congenital disorder of glycosylation, type Iaa. Also called: Congenital disorder of glycosylation, type 1aa. Identifiers: MedGen C4310727, MONDO:0014904, OMIM 617082.

Submission:

Labcorp Genetics (formerly Invitae), Labcorp
Classification: Uncertain significance for Congenital disorder of glycosylation, type Iaa. Last evaluated: 2022-10-13. Review status: criteria provided, single submitter. Criteria: Invitae Variant Classification Sherloc (09022015). Collection method: clinical testing. Allele origin: germline.
Comment: This variant is not present in population databases (gnomAD no frequency). This sequence change replaces alanine, which is neutral and non-polar, with glutamic acid, which is acidic and polar, at codon 118 of the NUS1 protein (p.Ala118Glu). This variant has not been reported in the literature in individuals affected with NUS1-related conditions. ClinVar contains an entry for this variant (Variation ID: 1383658). Algorithms developed to predict the effect of missense changes on protein structure and function are either unavailable or do not agree on the potential impact of this missense change (SIFT: "Deleterious"; PolyPhen-2: "Probably Damaging"; Align-GVGD: "Class C0"). In summary, the available evidence is currently insufficient to determine the role of this variant in disease. Therefore, it has been classified as a Variant of Uncertain Significance.